The following is an entry in ClinVar:

ClinVar aggregate classification (germline): Uncertain significance. Review status: criteria provided, multiple submitters, no conflicts (2 of 4 stars). 2 submissions from 2 submitters: Uncertain significance (2). Last evaluated 2026-02-19.

Conditions:
Early-infantile DEE. Also called: Early infantile epileptic encephalopathy with suppression bursts; Early infantile epileptic encephalopathy; Ohtahara syndrome. Identifiers: Orphanet 1934, MedGen C0393706, MONDO:0800491.

Submissions (2):

GeneDx
Classification: Uncertain significance. Last evaluated: 2026-02-19. Review status: criteria provided, single submitter. Criteria: GeneDx Variant Classification Process June 2021. Collection method: clinical testing. Allele origin: germline.
Comment: Not observed at significant frequency in large population cohorts (gnomAD); In silico analysis suggests that this missense variant does not alter protein structure/function; Has not been previously published as pathogenic or benign to our knowledge; This substitution is predicted to be within the transmembrane segment S1 of the second homologous domain

Labcorp Genetics (formerly Invitae), Labcorp
Classification: Uncertain significance for Early-infantile DEE. Last evaluated: 2024-04-29. Review status: criteria provided, single submitter. Criteria: Invitae Variant Classification Sherloc (09022015). Collection method: clinical testing. Allele origin: germline.
Comment: This sequence change replaces isoleucine, which is neutral and non-polar, with valine, which is neutral and non-polar, at codon 778 of the SCN1A protein (p.Ile778Val). This variant is not present in population databases (gnomAD no frequency). This missense change has been observed in individual(s) with clinical features of developmental and epileptic encephalopathy (Invitae). ClinVar contains an entry for this variant (Variation ID: 1475090). Advanced modeling of protein sequence and biophysical properties (such as structural, functional, and spatial information, amino acid conservation, physicochemical variation, residue mobility, and thermodynamic stability) performed at Invitae indicates that this missense variant is expected to disrupt SCN1A protein function with a positive predictive value of 95%. This variant disrupts the p.Ile778 amino acid residue in SCN1A. Other variant(s) that disrupt this residue have been observed in individuals with SCN1A-related conditions (PMID: 36158059, 37955180; Invitae), which suggests that this may be a clinically significant amino acid residue. In summary, the available evidence is currently insufficient to determine the role of this variant in disease. Therefore, it has been classified as a Variant of Uncertain Significance.

Literature cited by the submitters: PubMed 36158059 (cited by Labcorp Genetics (formerly Invitae), Labcorp); PubMed 37955180 (cited by Labcorp Genetics (formerly Invitae), Labcorp).

NM_001165963.4(SCN1A):c.2332A>G (p.Ile778Val)

Gene: SCN1A (sodium voltage-gated channel alpha subunit 1; minus strand). Cytogenetic location: 2q24.3.
Variant type: single nucleotide variant.
Coding change: c.2332A>G on transcript NM_001165963.4 (MANE Select); coding-DNA position 2332, A replaced by G.
Protein change: p.Ile778Val; replaces isoleucine 778 with valine.
Molecular consequence: missense variant. On other transcripts: 5 prime UTR variant (1), non-coding transcript variant (1).
Genome position (GRCh38, 1-based): chr2:166,041,314, T>C on the plus strand (A>G on the coding strand, the complement: SCN1A is on the minus strand). VCF-style: chr2-166041314-T-C. GRCh37 (hg19) VCF-style: chr2-166897824-T-C.
Other names: c.2332A>G (NM_001165963.1); c.2248A>G, p.Ile750Val (NM_001165964.3, NM_001353957.2, NM_001353958.2); c.2332A>G, p.Ile778Val (NM_001202435.3, NM_001353948.2); c.2299A>G, p.Ile767Val (NM_001353949.2, NM_001353950.2, NM_001353951.2 and 2 more transcripts); c.2296A>G, p.Ile766Val (NM_001353954.2, NM_001353955.2); c.2245A>G, p.Ile749Val (NM_001353960.2); c.-127A>G (NM_001353961.2); short protein forms I749V, I778V, I750V, I766V, I767V.
Identifiers: ClinVar variation 1475090 (VCV001475090.10), dbSNP rs2105828062, ClinGen allele CA349064185.